The following is an entry in ClinVar:

NM_006648.4(WNK2):c.5953C>G (p.Pro1985Ala)

Gene: WNK2 (WNK lysine deficient protein kinase 2; plus strand). Cytogenetic location: 9q22.31.
Variant type: single nucleotide variant.
Coding change: c.5953C>G on transcript NM_006648.4 (MANE Select); coding-DNA position 5953, C replaced by G.
Protein change: p.Pro1985Ala; replaces proline 1985 with alanine.
Molecular consequence: missense variant.
Genome position (GRCh38, 1-based): chr9:93,299,099, C>G. VCF-style: chr9-93299099-C-G. GRCh37 (hg19) VCF-style: chr9-96061381-C-G.
Other names: c.6064C>G, p.Pro2022Ala (NM_001282394.3); short protein forms P2022A, P1985A.
Identifiers: ClinVar variation 4826253 (VCV004826253.1).
Genomic context (GRCh38, chr9:93,299,099, plus strand): 5'-CGTGCCTGTCGCCTCTTCTCCCCCCGCCCAGGTCACTTGGCTGACTCCAGCAGAGGCCCT[C>G]CCGCTAAGGACCCTGCCCAAGCCAGTGTGGGGCTCACTGCAGACAGCACGGGCCTGAGCG-3'
Protein context (NP_006639.3, residues 1975-1995): GHLADSSRGP[Pro1985Ala]AKDPAQASVG

ClinVar aggregate classification (germline): Uncertain significance (1 of 4 stars; one submission).

Submission:

Ambry Genetics
Classification: Uncertain significance. Last evaluated: 2026-03-11. Review status: criteria provided, single submitter. Criteria: Ambry Variant Classification Scheme 2023. Collection method: clinical testing. Allele origin: germline.
Comment: The p.P1985A variant (also known as c.5953C>G), located in coding exon 24 of the WNK2 gene, results from a C to G substitution at nucleotide position 5953. The proline at codon 1985 is replaced by alanine, an amino acid with highly similar properties. This amino acid position is conserved. In addition, this alteration is predicted to be tolerated by in silico analysis. Based on the available evidence, the clinical significance of this variant remains unclear.